The following is an entry in ClinVar:

ClinVar aggregate classification (germline): Pathogenic (1 of 4 stars; one submission).

Conditions:
Hereditary cancer-predisposing syndrome. Also called: Neoplastic Syndromes, Hereditary; Tumor predisposition; Hereditary neoplastic syndrome; Hereditary Cancer Syndrome. Identifiers: Orphanet 140162, MedGen C0027672, MeSH D009386, MONDO:0015356.

Submission:

Ambry Genetics
Classification: Pathogenic for Hereditary cancer-predisposing syndrome. Last evaluated: 2024-02-22. Review status: criteria provided, single submitter. Criteria: Ambry Variant Classification Scheme 2023. Collection method: clinical testing. Allele origin: germline.
Comment: The c.3572_3573dupTT pathogenic mutation, located in coding exon 7 of the MSH6 gene, results from a duplication of TT at nucleotide position 3572, causing a translational frameshift with a predicted alternate stop codon (p.V1192Lfs*4). This alteration is expected to result in loss of function by premature protein truncation or nonsense-mediated mRNA decay. As such, this alteration is interpreted as a disease-causing mutation.

NM_000179.3(MSH6):c.3572_3573dup (p.Val1192fs)

Gene: MSH6 (mutS homolog 6; plus strand). Cytogenetic location: 2p16.3.
Variant type: Duplication.
Coding change: c.3572_3573dup on transcript NM_000179.3 (MANE Select); coding-DNA positions 3572 to 3573, 2 bases duplicated (TT; older notation c.3572_3573dupTT).
Protein change: p.Val1192fs; shifts the reading frame from valine 1192.
Molecular consequence: frameshift variant. On other transcripts: non-coding transcript variant (5).
Genome position (GRCh38, 1-based): chr2:47,805,633-47,805,634, TT duplicated; duplicating any 2 consecutive bases within chr2:47,805,629-47,805,634 gives the same sequence; the c. name uses the placement nearest the transcript's 3' end. VCF-style (leftmost placement, unchanged base first): chr2-47805628-A-ATT. GRCh37 (hg19) VCF-style: chr2-48032767-A-ATT.
Other names: c.3182_3183dup, p.Val1062fs (NM_001281492.2); c.2666_2667dup, p.Val890fs (NM_001281493.2, NM_001281494.2, NM_001406811.1 and 6 more transcripts); c.3668_3669dup, p.Val1224fs (NM_001406795.1, NM_001406802.1); c.3572_3573dup, p.Val1192fs (NM_001406796.1, NM_001406800.1, NM_001406808.1 and 1 more transcripts); c.3275_3276dup, p.Val1093fs (NM_001406797.1, NM_001406801.1, NM_001406805.1 and 10 more transcripts); c.3398_3399dup, p.Val1134fs (NM_001406798.1); c.3047_3048dup, p.Val1017fs (NM_001406799.1, NM_001406806.1, NM_001406807.1); c.2708_2709dup, p.Val904fs (NM_001406803.1); and 8 more; short protein forms V1017fs, V1062fs, V1093fs, V1134fs, V1136fs, V1166fs, V1192fs, V1194fs.
Identifiers: ClinVar variation 3230559 (VCV003230559.1), dbSNP rs1057517764, ClinGen allele CA2825001131.